The following is an entry in ClinVar:

NM_001042492.3(NF1):c.2252-1G>T

Gene: NF1 (neurofibromin 1; plus strand). Cytogenetic location: 17q11.2.
Variant type: single nucleotide variant.
Coding change: c.2252-1G>T on transcript NM_001042492.3 (MANE Select); the canonical splice acceptor site of the intron before coding-DNA position 2252, G replaced by T.
Molecular consequence: splice acceptor variant.
Genome position (GRCh38, 1-based): chr17:31,227,217, G>T. VCF-style: chr17-31227217-G-T. GRCh37 (hg19) VCF-style: chr17-29554235-G-T.
Other names: c.2252-1G>T (NM_000267.4).
Identifiers: ClinVar variation 547606 (VCV000547606.3), dbSNP rs587781577, ClinGen allele CA398982657.

ClinVar aggregate classification (germline): Pathogenic/Likely pathogenic. Review status: criteria provided, multiple submitters, no conflicts (2 of 4 stars). 2 submissions from 2 submitters: Pathogenic (1); Likely pathogenic (1). Last evaluated 2025-01-26.

Conditions:
Neurofibromatosis, type 1 (NF1). Also called: NEUROFIBROMATOSIS, TYPE I, SOMATIC; VON RECKLINGHAUSEN DISEASE; Peripheral type neurofibromatosis; Neurofibromatosis, type I. Identifiers: Orphanet 636, MedGen C0027831, MONDO:0018975, OMIM 162200. Disease mechanism: loss of function.

Submissions (2):

Labcorp Genetics (formerly Invitae), Labcorp
Classification: Pathogenic for Neurofibromatosis, type 1. Last evaluated: 2025-01-26. Review status: criteria provided, single submitter. Criteria: Invitae Variant Classification Sherloc (09022015). Collection method: clinical testing. Allele origin: germline.
Comment: This sequence change affects an acceptor splice site in intron 18 of the NF1 gene. It is expected to disrupt RNA splicing. Variants that disrupt the donor or acceptor splice site typically lead to a loss of protein function (PMID: 16199547), and loss-of-function variants in NF1 are known to be pathogenic (PMID: 10712197, 23913538). This variant is not present in population databases (gnomAD no frequency). Disruption of this splice site has been observed in individuals with neurofibromatosis (PMID: 12872266; internal data). ClinVar contains an entry for this variant (Variation ID: 547606). Algorithms developed to predict the effect of sequence changes on RNA splicing suggest that this variant may disrupt the consensus splice site. For these reasons, this variant has been classified as Pathogenic.

Center for Human Genetics, Inc
Classification: Likely pathogenic for Neurofibromatosis, type 1. Last evaluated: 2016-11-01. Review status: criteria provided, single submitter. Criteria: ACMG Guidelines, 2015. Collection method: clinical testing. Allele origin: germline. Affected: yes.

Literature cited by the submitters: PubMed 16199547 (cited by Labcorp Genetics (formerly Invitae), Labcorp); PubMed 10712197 (cited by Labcorp Genetics (formerly Invitae), Labcorp); PubMed 23913538 (cited by Labcorp Genetics (formerly Invitae), Labcorp); PubMed 12872266 (cited by Labcorp Genetics (formerly Invitae), Labcorp).